The following is an entry in ClinVar:

ClinVar aggregate classification (germline): Uncertain significance (1 of 4 stars; one submission).

Conditions:
Familial hypobetalipoproteinemia 1. Also called: APOB-Related Familial Hypobetalipoproteinemia; Hypobetalipoproteinemia, normotriglyceridemic; Acanthocytosis with hypobetalipoproteinemia. Identifiers: MedGen C4551990, MONDO:0014252, OMIM 615558.
Hypercholesterolemia, autosomal dominant, type B (FHCL2). Also called: APOB-Related Familial Hypercholesterolemia, Autosomal Dominant; Familial hypercholesterolemia 2; Familial Hypercholesterolemia Type B; APOLIPOPROTEIN B-100, FAMILIAL DEFECTIVE; APOLIPOPROTEIN B-100, FAMILIAL LIGAND-DEFECTIVE; HYPERCHOLESTEROLEMIA, FAMILIAL, DUE TO LIGAND-DEFECTIVE APOLIPOPROTEIN B. Identifiers: MedGen C1704417, MONDO:0007751, OMIM 144010.

Submission:

Labcorp Genetics (formerly Invitae), Labcorp
Classification: Uncertain significance for Familial hypobetalipoproteinemia 1; Hypercholesterolemia, autosomal dominant, type B. Last evaluated: 2025-07-31. Review status: criteria provided, single submitter. Criteria: Invitae Variant Classification Sherloc (09022015). Collection method: clinical testing. Allele origin: germline.
Comment: This sequence change replaces proline, which is neutral and non-polar, with leucine, which is neutral and non-polar, at codon 1447 of the APOB protein (p.Pro1447Leu). This variant is not present in population databases (gnomAD no frequency). This variant has not been reported in the literature in individuals affected with APOB-related conditions. Invitae Evidence Modeling of protein sequence and biophysical properties (such as structural, functional, and spatial information, amino acid conservation, physicochemical variation, residue mobility, and thermodynamic stability) indicates that this missense variant is not expected to disrupt APOB protein function with a negative predictive value of 95%. In summary, the available evidence is currently insufficient to determine the role of this variant in disease. Therefore, it has been classified as a Variant of Uncertain Significance.

NM_000384.3(APOB):c.4340C>T (p.Pro1447Leu)

Gene: APOB (apolipoprotein B; minus strand). Cytogenetic location: 2p24.1.
Variant type: single nucleotide variant.
Coding change: c.4340C>T on transcript NM_000384.3 (MANE Select); coding-DNA position 4340, C replaced by T.
Protein change: p.Pro1447Leu; replaces proline 1447 with leucine.
Molecular consequence: missense variant.
Genome position (GRCh38, 1-based): chr2:21,012,528, G>A on the plus strand (C>T on the coding strand, the complement: APOB is on the minus strand). VCF-style: chr2-21012528-G-A. GRCh37 (hg19) VCF-style: chr2-21235400-G-A.
Other names: short protein forms P1447L.
Identifiers: ClinVar variation 4789292 (VCV004789292.1).
Genomic context (GRCh38, chr2:21,012,528, plus strand): 5'-GCAGACATCTGTGGTCCCCAGGAACTAGATGCATCGAATATTAGTAAACCTTTTGAGACT[G>A]GGTTGTTTCCAAGTTTTTCTACATGACTGAATTTGATATTCGAATCTAGAAATTTGTGGC-3'
Protein context (NP_000375.3, residues 1437-1457): FSHVEKLGNN[Pro1447Leu]VSKGLLIFDA